The following is an entry in ClinVar:

NM_004655.4(AXIN2):c.1045_1046del (p.Leu349fs)

Gene: AXIN2 (axin 2; minus strand). Cytogenetic location: 17q24.1.
Variant type: Microsatellite.
Coding change: c.1045_1046del on transcript NM_004655.4 (MANE Select); coding-DNA positions 1045 to 1046, 2 bases deleted (CT; older notation c.1045_1046delCT).
Protein change: p.Leu349fs; shifts the reading frame from leucine 349.
Molecular consequence: frameshift variant.
Genome position (GRCh38, 1-based): chr17:65,541,468-65,541,469, AG deleted on the plus strand (CT on the coding strand, the reverse complement: AXIN2 is on the minus strand); deleting any 2 consecutive bases within chr17:65,541,468-65,541,472 gives the same sequence; the c. name uses the placement nearest the transcript's 3' end. VCF-style (leftmost placement, unchanged base first): chr17-65541467-TAG-T. GRCh37 (hg19) VCF-style: chr17-63537585-TAG-T.
Other names: c.1045_1046del, p.Leu349fs (NM_001363813.1); short protein forms L349fs.
Identifiers: ClinVar variation 1381928 (VCV001381928.8), dbSNP rs2144499916, ClinGen allele CA2580613217.

ClinVar aggregate classification (germline): Pathogenic (1 of 4 stars; one submission).

Conditions:
Oligodontia-cancer predisposition syndrome. Also called: TOOTH AGENESIS-COLORECTAL CANCER SYNDROME. Identifiers: Orphanet 300576, MedGen C1837750, MONDO:0012075, OMIM 608615. Disease mechanism: loss of function.

Submission:

Labcorp Genetics (formerly Invitae), Labcorp
Classification: Pathogenic for Oligodontia-cancer predisposition syndrome. Last evaluated: 2022-02-10. Review status: criteria provided, single submitter. Criteria: Invitae Variant Classification Sherloc (09022015). Collection method: clinical testing. Allele origin: germline.
Comment: For these reasons, this variant has been classified as Pathogenic. This premature translational stop signal has been observed in individual(s) with saggital synostosis (PMID: 30088857). This variant is not present in population databases (gnomAD no frequency). This sequence change creates a premature translational stop signal (p.Leu349Thrfs*24) in the AXIN2 gene. It is expected to result in an absent or disrupted protein product. Loss-of-function variants in AXIN2 are known to be pathogenic (PMID: 15042511, 21416598).

Literature cited by the submitters: PubMed 30088857; PubMed 15042511; PubMed 21416598.